The following is an entry in ClinVar:

NM_004006.3(DMD):c.2365G>A (p.Glu789Lys)

Gene: DMD (dystrophin; minus strand). Cytogenetic location: Xp21.1.
Variant type: single nucleotide variant.
Coding change: c.2365G>A on transcript NM_004006.3 (MANE Select); coding-DNA position 2365, G replaced by A.
Protein change: p.Glu789Lys; replaces glutamic acid 789 with lysine.
Molecular consequence: missense variant.
Genome position (GRCh38, 1-based): chrX:32,501,770, C>T on the plus strand (G>A on the coding strand, the complement: DMD is on the minus strand). VCF-style: chrX-32501770-C-T. GRCh37 (hg19) VCF-style: chrX-32519887-C-T.
Other names: c.2341G>A, p.Glu781Lys (NM_000109.4); c.2353G>A, p.Glu785Lys (NM_004009.3); c.1996G>A, p.Glu666Lys (NM_004010.3); short protein forms E666K, E789K, E781K, E785K.
Identifiers: ClinVar variation 1355209 (VCV001355209.13), dbSNP rs763844939, ClinGen allele CA10379547.

ClinVar aggregate classification (germline): Conflicting classifications of pathogenicity. Review status: criteria provided, conflicting classifications (1 of 4 stars). 4 submissions from 4 submitters: Uncertain significance (3); Likely benign (1). Last evaluated 2025-05-20.

Conditions:
Progressive muscular dystrophy. Identifiers: Orphanet 206644, MedGen C4551827, MONDO:0016106.
Cardiovascular phenotype. Identifiers: MedGen CN230736.
Duchenne muscular dystrophy (DMD). Also called: MUSCULAR DYSTROPHY, PSEUDOHYPERTROPHIC PROGRESSIVE, DUCHENNE TYPE; Duchenne Muscular Dystrophy (DMD). Identifiers: Orphanet 98896, MedGen C0013264, MONDO:0010679, OMIM 310200.

Allele frequency attached by ClinVar (database versions not stated): gnomAD exomes below 0.00001 and 0.00001; ExAC 0.00001; TOPMed 0.00001; gnomAD 0.00002; 1000 Genomes Project 0.00026; 1000 Genomes Project 30x 0.00042.
gnomAD v4.1: 5 of 1,206,345 alleles (0.00041%); highest among the groups gnomAD compares: Middle Eastern, 0.023%; no homozygotes.

Submissions (4):

Ambry Genetics
Classification: Uncertain significance for Cardiovascular phenotype. Last evaluated: 2025-05-20. Review status: criteria provided, single submitter. Criteria: Ambry Variant Classification Scheme 2023. Collection method: clinical testing. Allele origin: germline.
Comment: The p.E789K variant (also known as c.2365G>A), located in coding exon 19 of the DMD gene, results from a G to A substitution at nucleotide position 2365. The glutamic acid at codon 789 is replaced by lysine, an amino acid with similar properties. This variant was reported in individual(s) in a muscular dystrophy cohort (Alc&aacute;ntara-Ortigoza MA et al. Genes (Basel), 2019 Oct;10:[ePub ahead of print]). Based on data from gnomAD, the A allele has an overall frequency of 0.0011% (2/178845) total alleles studied, with 1 hemizygote(s) observed. The highest observed frequency was 0.0077% (1/12971) of African alleles. This amino acid position is highly conserved in available vertebrate species. In addition, this alteration is predicted to be tolerated by in silico analysis. Based on the available evidence, the clinical significance of this variant remains unclear.

Labcorp Genetics (formerly Invitae), Labcorp
Classification: Uncertain significance for Duchenne muscular dystrophy. Last evaluated: 2024-11-23. Review status: criteria provided, single submitter. Criteria: Invitae Variant Classification Sherloc (09022015). Collection method: clinical testing. Allele origin: germline.
Comment: This sequence change replaces glutamic acid, which is acidic and polar, with lysine, which is basic and polar, at codon 789 of the DMD protein (p.Glu789Lys). The frequency data for this variant in the population databases is considered unreliable, as metrics indicate poor data quality at this position in the gnomAD database. This missense change has been observed in individual(s) with Becker muscular dystrophy (PMID: 31671740). ClinVar contains an entry for this variant (Variation ID: 1355209). Invitae Evidence Modeling of protein sequence and biophysical properties (such as structural, functional, and spatial information, amino acid conservation, physicochemical variation, residue mobility, and thermodynamic stability) indicates that this missense variant is not expected to disrupt DMD protein function with a negative predictive value of 95%. In summary, the available evidence is currently insufficient to determine the role of this variant in disease. Therefore, it has been classified as a Variant of Uncertain Significance.

Molecular Genetics, Royal Melbourne Hospital
Classification: Uncertain significance for Progressive muscular dystrophy. Last evaluated: 2023-08-01. Review status: criteria provided, single submitter. Criteria: ACMG Guidelines, 2015. Collection method: clinical testing. Allele origin: germline. Inheritance: Autosomal dominant inheritance.
Comment: This sequence change in DMD is predicted to replace glutamic acid with lysine at codon 789, p.(Glu789Lys). The glutamic acid residue is highly conserved (100 vertebrates, UCSC), and is not located in an annotated domain. There is a large physicochemical difference between glutamic acid and lysine. The highest population minor allele frequency in the population database gnomAD v3.1 is 0.006% (2/30,855 alleles, including 1 hemizygote) in the African/African American population. This variant has been reported in one individual with Becker's Muscular Dystrophy with no family history of neuromuscular conditions (PMID: 31671740). Computational evidence predicts a benign effect for the missense substitution (REVEL = 0.231). Based on the classification scheme RMH Modified ACMG/AMP Guidelines v1.6.1, this variant is classified as a VARIANT OF UNCERTAIN SIGNIFICANCE. Following criteria are met: BP4

GeneDx
Classification: Likely benign. Last evaluated: 2019-06-06. Review status: criteria provided, single submitter. Criteria: GeneDx Variant Classification Process June 2021. Collection method: clinical testing. Allele origin: germline. Affected: yes.
Comment: See Variant Classification Assertion Criteria.

Literature cited by the submitters: PubMed 31671740 (cited by 3 submitters).